The following is an entry in ClinVar:

NM_022041.4(GAN):c.82C>G (p.Arg28Gly)

Genes: GAN (gigaxonin; plus strand), LOC130059498 (ATAC-STARR-seq lymphoblastoid silent region 7753; plus strand). Cytogenetic location: 16q23.2.
Variant type: single nucleotide variant.
Coding change: c.82C>G on transcript NM_022041.4 (MANE Select); coding-DNA position 82, C replaced by G.
Protein change: p.Arg28Gly; replaces arginine 28 with glycine.
Molecular consequence: missense variant. On other transcripts: 5 prime UTR variant (1).
Genome position (GRCh38, 1-based): chr16:81,315,195, C>G. VCF-style: chr16-81315195-C-G. GRCh37 (hg19) VCF-style: chr16-81348800-C-G.
Other names: c.-443C>G (NM_001377486.1); short protein forms R28G.
Identifiers: ClinVar variation 663315 (VCV000663315.7), dbSNP rs747806896, ClinGen allele CA8191249.

ClinVar aggregate classification (germline): Uncertain significance. Review status: criteria provided, multiple submitters, no conflicts (2 of 4 stars). 2 submissions from 2 submitters: Uncertain significance (2). Last evaluated 2026-01-27.

Conditions:
Giant axonal neuropathy 1 (GAN1). Also called: GIANT AXONAL NEUROPATHY 1, AUTOSOMAL RECESSIVE; GAN-Related Neurodegeneration. Identifiers: Orphanet 643, MedGen C1850386, MONDO:0009749, OMIM 256850.

Allele frequency attached by ClinVar (database versions not stated): TOPMed 0.00001; gnomAD 0.00003.
gnomAD v4.1: 48 of 1,577,160 alleles (0.003%); highest among the groups gnomAD compares: Non-Finnish European, 0.0031%; no homozygotes.

Submissions (2):

GeneDx
Classification: Uncertain significance. Last evaluated: 2026-01-27. Review status: criteria provided, single submitter. Criteria: GeneDx Variant Classification Process June 2021. Collection method: clinical testing. Allele origin: germline.
Comment: Not observed at significant frequency in large population cohorts (gnomAD); Missense variants in this gene are a common cause of disease and they are underrepresented in the general population; In silico analysis supports that this missense variant has a deleterious effect on protein structure/function; Has not been previously published as pathogenic or benign to our knowledge; This variant is associated with the following publications: (PMID: 27023907)

Labcorp Genetics (formerly Invitae), Labcorp
Classification: Uncertain significance for Giant axonal neuropathy 1. Last evaluated: 2022-07-12. Review status: criteria provided, single submitter. Criteria: Invitae Variant Classification Sherloc (09022015). Collection method: clinical testing. Allele origin: germline.
Comment: This sequence change replaces arginine, which is basic and polar, with glycine, which is neutral and non-polar, at codon 28 of the GAN protein (p.Arg28Gly). This variant is present in population databases (rs747806896, gnomAD 0.006%). This variant has not been reported in the literature in individuals affected with GAN-related conditions. ClinVar contains an entry for this variant (Variation ID: 663315). Algorithms developed to predict the effect of missense changes on protein structure and function (SIFT, PolyPhen-2, Align-GVGD) all suggest that this variant is likely to be tolerated. In summary, the available evidence is currently insufficient to determine the role of this variant in disease. Therefore, it has been classified as a Variant of Uncertain Significance.